The following is an entry in ClinVar:

NM_004100.5(EYA4):c.1235T>C (p.Met412Thr)

Genes: EYA4 (EYA transcriptional coactivator and phosphatase 4; plus strand), TARID (TCF21 antisense RNA inducing promoter demethylation; minus strand), LOC126859796 (MED14-independent group 3 enhancer GRCh37_chr6:133826289-133827488; plus strand). Cytogenetic location: 6q23.2.
Variant type: single nucleotide variant.
Coding change: c.1235T>C on transcript NM_004100.5 (MANE Select); coding-DNA position 1235, T replaced by C.
Protein change: p.Met412Thr; replaces methionine 412 with threonine.
Molecular consequence: missense variant. On other transcripts: non-coding transcript variant (1).
Genome position (GRCh38, 1-based): chr6:133,506,149, T>C. VCF-style: chr6-133506149-T-C. GRCh37 (hg19) VCF-style: chr6-133827287-T-C.
Other names: c.1073T>C, p.Met358Thr (NM_001301012.2); c.1253T>C, p.Met418Thr (NM_001301013.2); c.1166T>C, p.Met389Thr (NM_001370458.1, NM_172103.4); c.1091T>C, p.Met364Thr (NM_001370459.1); c.1235T>C, p.Met412Thr (NM_172105.4); short protein forms M358T, M364T, M389T, M412T, M418T.
Identifiers: ClinVar variation 3607784 (VCV003607784.2).

ClinVar aggregate classification (germline): Uncertain significance (1 of 4 stars; one submission).

Conditions:
Dilated cardiomyopathy 1J (CMD1J). Also called: CARDIOMYOPATHY, DILATED, WITH SENSORINEURAL HEARING LOSS, AUTOSOMAL DOMINANT. Identifiers: Orphanet 217622, MedGen C1854368, MONDO:0011541, OMIM 605362.

gnomAD v4.1: 5 of 1,612,020 alleles (0.00031%); highest among the groups gnomAD compares: Non-Finnish European, 0.00042%; no homozygotes.

Submission:

Labcorp Genetics (formerly Invitae), Labcorp
Classification: Uncertain significance for Dilated cardiomyopathy 1J. Last evaluated: 2024-10-24. Review status: criteria provided, single submitter. Criteria: Invitae Variant Classification Sherloc (09022015). Collection method: clinical testing. Allele origin: germline.
Comment: This sequence change replaces methionine, which is neutral and non-polar, with threonine, which is neutral and polar, at codon 412 of the EYA4 protein (p.Met412Thr). This variant is present in population databases (no rsID available, gnomAD 0.0009%). This variant has not been reported in the literature in individuals affected with EYA4-related conditions. Invitae Evidence Modeling of protein sequence and biophysical properties (such as structural, functional, and spatial information, amino acid conservation, physicochemical variation, residue mobility, and thermodynamic stability) indicates that this missense variant is expected to disrupt EYA4 protein function with a positive predictive value of 80%. In summary, the available evidence is currently insufficient to determine the role of this variant in disease. Therefore, it has been classified as a Variant of Uncertain Significance.